The following is an entry in ClinVar:

NC_000022.10:g.(?_18900688)_(21351637_?)del

Genes: TRMT2A (tRNA methyltransferase 2A; minus strand), TMEM191B (transmembrane protein 191B; plus strand), LZTR1 (leucine zipper like post translational regulator 1; plus strand), GNB1L (G protein subunit beta 1 like; minus strand), ARVCF (ARVCF delta catenin family member; minus strand) and 38 more. Cytogenetic location: 22q11.21.
Variant type: Deletion.
Identifiers: ClinVar variation 1071026 (VCV001071026.8).

ClinVar aggregate classification (germline): Pathogenic. Review status: criteria provided, single submitter (1 of 4 stars). 2 submissions from 1 submitter: Pathogenic (1). 1 of the submissions does not count toward it. Last evaluated 2024-01-31.

Conditions:
DiGeorge syndrome. Also called: THIRD AND FOURTH PHARYNGEAL POUCH SYNDROME; Catch22. Identifiers: Orphanet 567, MedGen C0012236, MONDO:0008564, OMIM 188400.

Submissions (2):

Labcorp Genetics (formerly Invitae), Labcorp
Classification: Pathogenic for DiGeorge syndrome. Last evaluated: 2024-01-31. Review status: criteria provided, single submitter. Criteria: Invitae Variant Classification Sherloc (09022015). Collection method: clinical testing. Allele origin: germline.
Comment: A gross deletion of the genomic region encompassing the full coding sequence of the TBX1 gene has been identified. Loss-of-function variants in TBX1 are known to be pathogenic (PMID: 25860641, 29500247). The boundaries of this event are unknown as they extend beyond the assayed region for this gene and therefore may encompass additional genes. Contiguous gene deletions that include TBX1 have been observed in multiple individuals with congenital heart disease, DiGeorge syndrome, and pulmonary atresia (PMID: 25205790, 25516202, 24826987). For these reasons, this variant has been classified as Pathogenic.

Labcorp Genetics (formerly Invitae), Labcorp
Classification: Pathogenic. Last evaluated: 2021-12-18. Review status: flagged submission. Criteria: Invitae Variant Classification Sherloc (09022015). Collection method: clinical testing. Allele origin: germline. Not counted in ClinVar's aggregate classification.
Comment: A gross deletion of the genomic region encompassing the full coding sequence of the TANGO2 gene has been identified. Loss-of-function variants in TANGO2 are known to be pathogenic (PMID: 26805781, 26805782). The boundaries of this event are unknown as they extend beyond the assayed region for this gene and therefore may encompass additional genes. Isolated whole-gene deletions of TANGO2 have not been reported in the literature. However, larger copy number events that include this gene have been reported (PMID: 30245509). For these reasons, this variant has been classified as Pathogenic.
ClinVar note: Reason: This record appears to be redundant with a more recent record from the same submitter.
ClinVar note: Notes: SCV002241933 appears to be redundant with SCV001582484.

Literature cited by the submitters: PubMed 25860641; PubMed 29500247; PubMed 25205790; PubMed 25516202; PubMed 24826987; PubMed 26805781; PubMed 26805782; PubMed 30245509.